The following is an entry in ClinVar:

NM_001543.5(NDST1):c.140C>A (p.Pro47His)

Gene: NDST1 (N-deacetylase and N-sulfotransferase 1; plus strand). Cytogenetic location: 5q33.1.
Variant type: single nucleotide variant.
Coding change: c.140C>A on transcript NM_001543.5 (MANE Select); coding-DNA position 140, C replaced by A.
Protein change: p.Pro47His; replaces proline 47 with histidine.
Molecular consequence: missense variant.
Genome position (GRCh38, 1-based): chr5:150,521,394, C>A. VCF-style: chr5-150521394-C-A. GRCh37 (hg19) VCF-style: chr5-149900956-C-A.
Other names: c.140C>A, p.Pro47His (NM_001301063.2); short protein forms P47H.
Identifiers: ClinVar variation 4746547 (VCV004746547.1).
Genomic context (GRCh38, chr5:150,521,394, plus strand): 5'-GCCTGTTCAGCGTTTTCATCTCGGCCTACTACCTATATGGCTGGAAGCGAGGCCTGGAGC[C>A]CTCGGCGGATGCCCCCGAGCCTGACTGCGGGGACCCGCCGCCTGTGGCCCCCAGTCGCCT-3'
Protein context (NP_001534.1, residues 37-57): YLYGWKRGLE[Pro47His]SADAPEPDCG

ClinVar aggregate classification (germline): Uncertain significance (1 of 4 stars; one submission).

Submission:

Labcorp Genetics (formerly Invitae), Labcorp
Classification: Uncertain significance. Last evaluated: 2025-08-17. Review status: criteria provided, single submitter. Criteria: Invitae Variant Classification Sherloc (09022015). Collection method: clinical testing. Allele origin: germline.
Comment: This sequence change replaces proline, which is neutral and non-polar, with histidine, which is basic and polar, at codon 47 of the NDST1 protein (p.Pro47His). This variant is not present in population databases (gnomAD no frequency). This variant has not been reported in the literature in individuals affected with NDST1-related conditions. Invitae Evidence Modeling of protein sequence and biophysical properties (such as structural, functional, and spatial information, amino acid conservation, physicochemical variation, residue mobility, and thermodynamic stability) indicates that this missense variant is not expected to disrupt NDST1 protein function with a negative predictive value of 80%. In summary, the available evidence is currently insufficient to determine the role of this variant in disease. Therefore, it has been classified as a Variant of Uncertain Significance.